The following is an entry in ClinVar:

ClinVar aggregate classification (germline): Uncertain significance. Review status: criteria provided, multiple submitters, no conflicts (2 of 4 stars). 4 submissions from 4 submitters: Uncertain significance (4). Last evaluated 2024-08-28.

Conditions:
Cardiomyopathy (CMYO). Also called: Cardiomyopathies. Identifiers: Orphanet 167848, MedGen C0878544, MONDO:0004994, HP:0001638. Inheritance: Various modes of inheritance.
Dilated cardiomyopathy 1G (CMD1G). Identifiers: Orphanet 154, MedGen C1858763, MONDO:0011400, OMIM 604145.
Autosomal recessive limb-girdle muscular dystrophy type 2J (LGMDR10). Also called: Limb-girdle muscular dystrophy, type 2J; MUSCULAR DYSTROPHY, LIMB-GIRDLE, AUTOSOMAL RECESSIVE 10. Identifiers: Orphanet 140922, MedGen C1837342, MONDO:0012127, OMIM 608807.

Allele frequency attached by ClinVar (database versions not stated): TOPMed 0.00001; gnomAD exomes 0.00005 and 0.00001; ExAC 0.00001.
gnomAD v4.1: 66 of 1,613,784 alleles (0.0041%); highest among the groups gnomAD compares: Non-Finnish European, 0.0056%; no homozygotes.

Submissions (4):

GeneDx
Classification: Uncertain significance. Last evaluated: 2024-08-28. Review status: criteria provided, single submitter. Criteria: GeneDx Variant Classification Process June 2021. Collection method: clinical testing. Allele origin: germline.
Comment: Not observed at significant frequency in large population cohorts (gnomAD); Missense variant in a gene in which most reported pathogenic variants are truncating/loss of function; Has not been previously published as pathogenic or benign to our knowledge

Mayo Clinic Laboratories, Mayo Clinic
Classification: Uncertain significance. Last evaluated: 2023-11-17. Review status: criteria provided, single submitter. Criteria: ACMG Guidelines, 2015. Collection method: clinical testing. Allele origin: germline. Observed: 1 variant allele.
Comment: BP4

CHEO Genetics Diagnostic Laboratory, Children's Hospital of Eastern Ontario
Classification: Uncertain significance for Cardiomyopathy. Last evaluated: 2019-09-09. Review status: criteria provided, single submitter. Criteria: ACMG Guidelines, 2015. Collection method: clinical testing. Allele origin: germline.

Labcorp Genetics (formerly Invitae), Labcorp
Classification: Uncertain significance for Dilated cardiomyopathy 1G; Autosomal recessive limb-girdle muscular dystrophy type 2J. Last evaluated: 2017-06-05. Review status: criteria provided, single submitter. Criteria: Invitae Variant Classification Sherloc (09022015). Collection method: clinical testing. Allele origin: germline.

NM_001267550.2(TTN):c.26030A>G (p.Tyr8677Cys)

Gene: TTN (titin; minus strand). Cytogenetic location: 2q31.2.
Variant type: single nucleotide variant.
Coding change: c.26030A>G on transcript NM_001267550.2 (MANE Select); coding-DNA position 26030, A replaced by G.
Protein change: p.Tyr8677Cys; replaces tyrosine 8677 with cysteine.
Molecular consequence: missense variant. On other transcripts: intron variant (3).
Genome position (GRCh38, 1-based): chr2:178,715,156, T>C on the plus strand (A>G on the coding strand, the complement: TTN is on the minus strand). VCF-style: chr2-178715156-T-C. GRCh37 (hg19) VCF-style: chr2-179579883-T-C.
Other names: p.Tyr7433Cys; c.25079A>G, p.Tyr8360Cys (NM_001256850.1); c.22298A>G, p.Tyr7433Cys (NM_133378.4); c.13282+22926A>G (NM_003319.4); c.13858+22926A>G (NM_133437.4); c.13657+22926A>G (NM_133432.3); c.26030A>G (NM_001267550.1); short protein forms Y8677C, Y7433C, Y8360C.
Identifiers: ClinVar variation 404921 (VCV000404921.8), dbSNP rs778578388, ClinGen allele CA2000081.